The following is an entry in ClinVar:

NM_001384140.1(PCDH15):c.1172A>G (p.Gln391Arg)

Gene: PCDH15 (protocadherin related 15; minus strand). Cytogenetic location: 10q21.1.
Variant type: single nucleotide variant.
Coding change: c.1172A>G on transcript NM_001384140.1 (MANE Select); coding-DNA position 1172, A replaced by G.
Protein change: p.Gln391Arg; replaces glutamine 391 with arginine.
Molecular consequence: missense variant.
Genome position (GRCh38, 1-based): chr10:54,195,816, T>C on the plus strand (A>G on the coding strand, the complement: PCDH15 is on the minus strand). VCF-style: chr10-54195816-T-C. GRCh37 (hg19) VCF-style: chr10-55955576-T-C.
Other names: c.1106A>G, p.Gln369Arg (NM_001142768.2, NM_001142773.2, NM_001354404.2); c.1187A>G, p.Gln396Arg (NM_001142769.4, NM_001142771.2, NM_001142763.2); c.1172A>G, p.Gln391Arg (NM_001142770.3, NM_001142772.2, NM_001354411.2 and 7 more transcripts); c.1061A>G, p.Gln354Arg (NM_001142767.2); short protein forms Q391R, Q354R, Q369R, Q396R.
Identifiers: ClinVar variation 300197 (VCV000300197.12), dbSNP rs758680936, ClinGen allele CA5506471.

ClinVar aggregate classification (germline): Uncertain significance. Review status: criteria provided, multiple submitters, no conflicts (2 of 4 stars). 5 submissions from 5 submitters: Uncertain significance (4). 1 of the submissions does not count toward it. Last evaluated 2025-01-06.

Conditions:
PCDH15-related disorder. Also called: PCDH15-related condition; PCDH15-related disorders.
Usher syndrome type 1 (USH1). Also called: RETINITIS PIGMENTOSA AND CONGENITAL DEAFNESS. Identifiers: Orphanet 231169, Orphanet 886, MedGen C1568247, MONDO:0010168, OMIM 276900.
Usher syndrome type 1F (USH1F). Also called: USHER SYNDROME, TYPE IF. Identifiers: Orphanet 231169, Orphanet 886, MedGen C1865885, MONDO:0011186, OMIM 602083.

Allele frequency attached by ClinVar (database versions not stated): gnomAD exomes below 0.00001; TOPMed below 0.00001; ExAC 0.00001; gnomAD 0.00001.
gnomAD v4.1: 3 of 1,613,974 alleles (0.00019%); highest among the groups gnomAD compares: Non-Finnish European, 0.00017%; no homozygotes.

Submissions (5):

PreventionGenetics, part of Exact Sciences
Classification: Uncertain significance for PCDH15-related condition. Last evaluated: 2025-01-06. Review status: criteria provided, single submitter. Criteria: ACMG Guidelines, 2015. Collection method: clinical testing. Allele origin: germline.
Comment: The PCDH15 c.1172A>G variant is predicted to result in the amino acid substitution p.Gln391Arg. To our knowledge, this variant has not been reported in the literature. This variant is reported in 0.00088% of alleles in individuals of European (Non-Finnish) descent in gnomAD. At this time, the clinical significance of this variant is uncertain due to the absence of conclusive functional and genetic evidence.

Labcorp Genetics (formerly Invitae), Labcorp
Classification: Uncertain significance. Last evaluated: 2021-08-24. Review status: criteria provided, single submitter. Criteria: Invitae Variant Classification Sherloc (09022015). Collection method: clinical testing. Allele origin: germline.
Comment: This sequence change replaces glutamine with arginine at codon 391 of the PCDH15 protein (p.Gln391Arg). The glutamine residue is highly conserved and there is a small physicochemical difference between glutamine and arginine. This variant is present in population databases (rs758680936, ExAC 0.001%). This variant has not been reported in the literature in individuals affected with PCDH15-related conditions. ClinVar contains an entry for this variant (Variation ID: 300197). Algorithms developed to predict the effect of missense changes on protein structure and function are either unavailable or do not agree on the potential impact of this missense change (SIFT: "Tolerated"; PolyPhen-2: "Probably Damaging"; Align-GVGD: "Class C0"). In summary, the available evidence is currently insufficient to determine the role of this variant in disease. Therefore, it has been classified as a Variant of Uncertain Significance.

Athena Diagnostics
Classification: Uncertain significance. Last evaluated: 2020-02-03. Review status: criteria provided, single submitter. Criteria: Athena Diagnostics Criteria. Collection method: clinical testing. Allele origin: unknown.

Illumina Laboratory Services, Illumina
Classification: Uncertain significance for Usher syndrome type 1. Last evaluated: 2018-01-13. Review status: criteria provided, single submitter. Criteria: ICSL Variant Classification Criteria 13 December 2019. Collection method: clinical testing. Allele origin: germline.

Natera, Inc.
Classification: Uncertain significance for Usher syndrome type 1F. Last evaluated: 2020-05-19. Review status: no assertion criteria provided. Collection method: clinical testing. Allele origin: germline. Not counted in ClinVar's aggregate classification.